The following is an entry in ClinVar:

ClinVar aggregate classification (germline): Conflicting classifications of pathogenicity. Review status: criteria provided, conflicting classifications (1 of 4 stars). 2 submissions from 2 submitters: Likely pathogenic (1); Uncertain significance (1). Last evaluated 2023-08-09.

Conditions:
CACNA1B-related disorder. Also called: CACNA1B-related condition.

Allele frequency attached by ClinVar (database versions not stated): ExAC 0.00001; gnomAD 0.00001; TOPMed 0.00001.
gnomAD v4.1: 11 of 1,581,274 alleles (0.0007%); highest among the groups gnomAD compares: Admixed American, 0.0017%; no homozygotes.

Submissions (2):

PreventionGenetics, part of Exact Sciences
Classification: Uncertain significance for CACNA1B-related condition. Last evaluated: 2023-08-09. Review status: criteria provided, single submitter. Criteria: ACMG Guidelines, 2015. Collection method: clinical testing. Allele origin: germline.
Comment: The CACNA1B c.5536+1G>A variant is predicted to disrupt the GT donor site and interfere with normal splicing. Although the impact of this variant on splicing cannot be predicted, exon skipping would lead to an inframe deletion. To our knowledge, this variant has not been reported in the literature or in a large population database, indicating this variant is rare. To our knowledge, only one other splice site variant has been reported in an individual with CACNA1B-related disease (c.4857+1G>C in Gorman et al. 2019. PubMed ID: 30982612). Although we suspect that this variant may be pathogenic, at this time, the clinical significance of this variant is uncertain due to the absence of conclusive functional and genetic evidence.

Labcorp Genetics (formerly Invitae), Labcorp
Classification: Likely pathogenic. Last evaluated: 2023-01-28. Review status: criteria provided, single submitter. Criteria: Invitae Variant Classification Sherloc (09022015). Collection method: clinical testing. Allele origin: germline.
Comment: In summary, the currently available evidence indicates that the variant is pathogenic, but additional data are needed to prove that conclusively. Therefore, this variant has been classified as Likely Pathogenic. Algorithms developed to predict the effect of sequence changes on RNA splicing suggest that this variant may disrupt the consensus splice site. This variant has not been reported in the literature in individuals affected with CACNA1B-related conditions. This variant is not present in population databases (gnomAD no frequency). This sequence change affects a donor splice site in intron 40 of the CACNA1B gene. It is expected to disrupt RNA splicing. Variants that disrupt the donor or acceptor splice site typically lead to a loss of protein function (PMID: 16199547), and loss-of-function variants in CACNA1B are known to be pathogenic (PMID: 30982612).

Literature cited by the submitters: PubMed 16199547 (cited by Labcorp Genetics (formerly Invitae), Labcorp); PubMed 30982612 (cited by Labcorp Genetics (formerly Invitae), Labcorp).

NM_000718.4(CACNA1B):c.5536+1G>A

Gene: CACNA1B (calcium voltage-gated channel subunit alpha1 B; plus strand). Cytogenetic location: 9q34.3.
Variant type: single nucleotide variant.
Coding change: c.5536+1G>A on transcript NM_000718.4 (MANE Select); the canonical splice donor site of the intron after coding-DNA position 5536, G replaced by A.
Molecular consequence: splice donor variant.
Genome position (GRCh38, 1-based): chr9:138,112,506, G>A. VCF-style: chr9-138112506-G-A. GRCh37 (hg19) VCF-style: chr9-141006958-G-A.
Other names: c.5536+1G>A (NM_001243812.2).
Identifiers: ClinVar variation 2636876 (VCV002636876.4), dbSNP rs752588118, ClinGen allele CA5377395.